The following is an entry in ClinVar:

NM_000258.3(MYL3):c.35A>G (p.Asp12Gly)

Gene: MYL3 (myosin light chain 3; minus strand). Cytogenetic location: 3p21.31.
Variant type: single nucleotide variant.
Coding change: c.35A>G on transcript NM_000258.3 (MANE Select); coding-DNA position 35, A replaced by G.
Protein change: p.Asp12Gly; replaces aspartic acid 12 with glycine.
Molecular consequence: missense variant.
Genome position (GRCh38, 1-based): chr3:46,863,356, T>C on the plus strand (A>G on the coding strand, the complement: MYL3 is on the minus strand). VCF-style: chr3-46863356-T-C. GRCh37 (hg19) VCF-style: chr3-46904846-T-C.
Other names: c.35A>G, p.Asp12Gly (NM_001406937.1, NM_001406938.1, NM_001406939.1); short protein forms D12G.
Identifiers: ClinVar variation 3230923 (VCV003230923.1), dbSNP rs2544972020, ClinGen allele CA352499840.

ClinVar aggregate classification (germline): Uncertain significance (1 of 4 stars; one submission).

Conditions:
Cardiovascular phenotype. Identifiers: MedGen CN230736.

Allele frequency attached by ClinVar (database versions not stated): gnomAD exomes below 0.00001.

Submission:

Ambry Genetics
Classification: Uncertain significance for Cardiovascular phenotype. Last evaluated: 2023-11-01. Review status: criteria provided, single submitter. Criteria: Ambry Variant Classification Scheme 2023. Collection method: clinical testing. Allele origin: germline.
Comment: The p.D12G variant (also known as c.35A>G), located in coding exon 1 of the MYL3 gene, results from an A to G substitution at nucleotide position 35. The aspartic acid at codon 12 is replaced by glycine, an amino acid with similar properties. This amino acid position is conserved. In addition, this alteration is predicted to be tolerated by in silico analysis. Since supporting evidence is limited at this time, the clinical significance of this alteration remains unclear.